The following is an entry in ClinVar:

ClinVar aggregate classification (germline): Uncertain significance (1 of 4 stars; one submission).

Conditions:
Hereditary cancer-predisposing syndrome. Also called: Hereditary Cancer Syndrome; Neoplastic Syndromes, Hereditary; Tumor predisposition; Hereditary neoplastic syndrome. Identifiers: Orphanet 140162, MedGen C0027672, MeSH D009386, MONDO:0015356.

Submission:

Ambry Genetics
Classification: Uncertain significance for Hereditary cancer-predisposing syndrome. Last evaluated: 2026-07-16. Review status: criteria provided, single submitter. Criteria: Ambry Variant Classification Scheme 2023. Collection method: clinical testing. Allele origin: germline.
Comment: The p.F457L variant (also known as c.1369T>C), located in coding exon 6 of the ALK gene, results from a T to C substitution at nucleotide position 1369. The phenylalanine at codon 457 is replaced by leucine, an amino acid with highly similar properties. This amino acid position is highly conserved in available vertebrate species. In addition, the in silico prediction for this alteration is inconclusive. Based on the available evidence, the clinical significance of this variant remains unclear.

NM_004304.5(ALK):c.1369T>C (p.Phe457Leu)

Gene: ALK (ALK receptor tyrosine kinase; minus strand). Cytogenetic location: 2p23.2.
Variant type: single nucleotide variant.
Coding change: c.1369T>C on transcript NM_004304.5 (MANE Select); coding-DNA position 1369, T replaced by C.
Protein change: p.Phe457Leu; replaces phenylalanine 457 with leucine.
Molecular consequence: missense variant.
Genome position (GRCh38, 1-based): chr2:29,328,395, A>G on the plus strand (T>C on the coding strand, the complement: ALK is on the minus strand). VCF-style: chr2-29328395-A-G. GRCh37 (hg19) VCF-style: chr2-29551261-A-G.
Other names: short protein forms F457L.
Identifiers: ClinVar variation 5034939 (VCV005034939.1).